The following is an entry in ClinVar:

NM_001105206.3(LAMA4):c.22C>T (p.Arg8Cys)

Genes: LAMA4-AS1 (LAMA4 antisense RNA 1; plus strand), LAMA4 (laminin subunit alpha 4; minus strand). Cytogenetic location: 6q21.
Variant type: single nucleotide variant.
Coding change: c.22C>T on transcript NM_001105206.3 (MANE Select); coding-DNA position 22, C replaced by T.
Protein change: p.Arg8Cys; replaces arginine 8 with cysteine.
Molecular consequence: missense variant.
Genome position (GRCh38, 1-based): chr6:112,254,129, G>A on the plus strand (C>T on the coding strand, the complement: LAMA4 is on the minus strand). VCF-style: chr6-112254129-G-A. GRCh37 (hg19) VCF-style: chr6-112575331-G-A.
Other names: c.22C>T, p.Arg8Cys (NM_001105207.3, NM_001105208.3, NM_001105209.3 and 1 more transcripts); short protein forms R8C.
Identifiers: ClinVar variation 1789258 (VCV001789258.9), dbSNP rs149430073, ClinGen allele CA3966355.

ClinVar aggregate classification (germline): Conflicting classifications of pathogenicity. Review status: criteria provided, conflicting classifications (1 of 4 stars). 3 submissions from 3 submitters: Uncertain significance (2); Likely benign (1). Last evaluated 2026-01-14.

Conditions:
Cardiovascular phenotype. Identifiers: MedGen CN230736.
Dilated cardiomyopathy 1JJ (CMD1JJ). Identifiers: Orphanet 154, MedGen C3808935, MONDO:0014095, OMIM 615235.

Allele frequency attached by ClinVar (database versions not stated): ESP Exome Variant Server 0.00015.
gnomAD v4.1: 34 of 1,612,836 alleles (0.0021%); highest among the groups gnomAD compares: Middle Eastern, 0.017%; no homozygotes.

Submissions (3):

Labcorp Genetics (formerly Invitae), Labcorp
Classification: Uncertain significance for Dilated cardiomyopathy 1JJ. Last evaluated: 2026-01-14. Review status: criteria provided, single submitter. Criteria: Invitae Variant Classification Sherloc (09022015). Collection method: clinical testing. Allele origin: germline.
Comment: This sequence change replaces arginine, which is basic and polar, with cysteine, which is neutral and slightly polar, at codon 8 of the LAMA4 protein (p.Arg8Cys). This variant is present in population databases (rs149430073, gnomAD 0.02%). This variant has not been reported in the literature in individuals affected with LAMA4-related conditions. ClinVar contains an entry for this variant (Variation ID: 1789258). An algorithm developed to predict the effect of missense changes on protein structure and function outputs the following: PolyPhen-2: "Benign". The cysteine amino acid residue is found in multiple mammalian species, which suggests that this missense change does not adversely affect protein function. In summary, the available evidence is currently insufficient to determine the role of this variant in disease. Therefore, it has been classified as a Variant of Uncertain Significance.

GeneDx
Classification: Uncertain significance. Last evaluated: 2023-03-16. Review status: criteria provided, single submitter. Criteria: GeneDx Variant Classification Process June 2021. Collection method: clinical testing. Allele origin: germline.
Comment: Has not been previously published as pathogenic or benign to our knowledge; In silico analysis supports that this missense variant does not alter protein structure/function

Ambry Genetics
Classification: Likely benign for Cardiovascular phenotype. Last evaluated: 2022-11-08. Review status: criteria provided, single submitter. Criteria: Ambry Variant Classification Scheme 2023. Collection method: clinical testing. Allele origin: germline.